The following is an entry in ClinVar:

NM_000540.3(RYR1):c.10891G>T (p.Ala3631Ser)

Gene: RYR1 (ryanodine receptor 1; plus strand). Cytogenetic location: 19q13.2.
Variant type: single nucleotide variant.
Coding change: c.10891G>T on transcript NM_000540.3 (MANE Select); coding-DNA position 10891, G replaced by T.
Protein change: p.Ala3631Ser; replaces alanine 3631 with serine.
Molecular consequence: missense variant.
Genome position (GRCh38, 1-based): chr19:38,528,372, G>T. VCF-style: chr19-38528372-G-T. GRCh37 (hg19) VCF-style: chr19-39019012-G-T.
Other names: NM_001042723.2:c.10876G>T; c.10876G>T, p.Ala3626Ser (NM_001042723.2); short protein forms A3626S, A3631S.
Identifiers: ClinVar variation 1213682 (VCV001213682.3), dbSNP rs1367333710, ClinGen allele CA405649517.

ClinVar aggregate classification (germline): Uncertain significance (3 of 4 stars; one submission).

Conditions:
Malignant hyperthermia, susceptibility to, 1 (MHS1). Also called: RYR1-Related Malignant Hyperthermia Susceptibility; Anesthesia related hyperthermia; Malignant hyperpyrexia; Fulminating hyperpyrexia; Pharmacogenic myopathy; Malignant hyperthermia suceptibility 1. Identifiers: Orphanet 423, MedGen C2930980, MONDO:0007783, OMIM 145600.

Submission:

ClinGen Malignant Hyperthermia Susceptibility Variant Curation Expert Panel, ClinGen
Classification: Uncertain significance for Malignant hyperthermia, susceptibility to, 1. Last evaluated: 2025-08-01. Review status: reviewed by expert panel. Criteria: ClinGen MHS ACMG Specifications V2. Collection method: curation. Allele origin: germline. Inheritance: Autosomal dominant inheritance.
Comment: This pathogenicity assessment is relevant only for malignant hyperthermia susceptibility (MHS) inherited in an autosomal dominant pattern. Variants in RYR1 can also cause other myopathies inherited in an autosomal dominant pattern or in an autosomal recessive pattern. Some of these disorders may predispose individuals to malignant hyperthermia. RYR1 variants may also contribute to a malignant hyperthermia reaction in combination with other genetic and non-genetic factors and the clinician needs to consider such factors in making management decisions. This sequence variant predicts a substitution of alanine with serine at codon 3631 of the RYR1 protein, p.(Ala3631Ser). This variant was not present in a large population database (gnomAD) at the time this variant was interpreted. This variant has been reported in an individual with a personal or family history of an MH episode and a positive in vitro contracture test (IVCT) or caffeine halothane contracture test (CHCT) result (if the proband was unavailable for testing, a positive diagnostic test result in a mutation-positive relative was counted), PS4_Supporting (PMID:30236257). No functional studies were identified for this variant. This variant does not reside in a hotspot for pathogenic variants that contribute to MHS. A REVEL score of 0.85 supports a pathogenic status for this variant. This variant has been classified as a Variant of Unknown Significance. Criteria implemented: PS4_Supporting, PP3_Moderate.